The following is an entry in ClinVar:

NM_000257.4(MYH7):c.5240A>G (p.Glu1747Gly)

Genes: MYH7 (myosin heavy chain 7; minus strand), LOC126861897 (BRD4-independent group 4 enhancer GRCh37_chr14:23884455-23885654; plus strand). Cytogenetic location: 14q11.2.
Variant type: single nucleotide variant.
Coding change: c.5240A>G on transcript NM_000257.4 (MANE Select); coding-DNA position 5240, A replaced by G.
Protein change: p.Glu1747Gly; replaces glutamic acid 1747 with glycine.
Molecular consequence: missense variant.
Genome position (GRCh38, 1-based): chr14:23,415,424, T>C on the plus strand (A>G on the coding strand, the complement: MYH7 is on the minus strand). VCF-style: chr14-23415424-T-C. GRCh37 (hg19) VCF-style: chr14-23884633-T-C.
Other names: c.5240A>G, p.Glu1747Gly (NM_001407004.1); short protein forms E1747G.
Identifiers: ClinVar variation 3400929 (VCV003400929.1).

ClinVar aggregate classification (germline): Uncertain significance (1 of 4 stars; one submission).

Conditions:
Cardiovascular phenotype. Identifiers: MedGen CN230736.

Submission:

Ambry Genetics
Classification: Uncertain significance for Cardiovascular phenotype. Last evaluated: 2024-08-10. Review status: criteria provided, single submitter. Criteria: Ambry Variant Classification Scheme 2023. Collection method: clinical testing. Allele origin: germline.
Comment: The p.E1747G variant (also known as c.5240A>G), located in coding exon 34 of the MYH7 gene, results from an A to G substitution at nucleotide position 5240. The glutamic acid at codon 1747 is replaced by glycine, an amino acid with similar properties. This alteration has been reported in a hypertrophic cardiomyopathy (HCM) cohort (Pua CJ et al. Circ Genom Precis Med, 2020 Oct;13:424-434). This amino acid position is highly conserved in available vertebrate species. In addition, this alteration is predicted to be deleterious by in silico analysis. Based on the available evidence, the clinical significance of this variant remains unclear.

Literature cited by the submitters: PubMed 32815737.